The following is an entry in ClinVar:

NM_000587.4(C7):c.2392G>A (p.Glu798Lys)

Gene: C7 (complement C7; plus strand). Cytogenetic location: 5p13.1.
Variant type: single nucleotide variant.
Coding change: c.2392G>A on transcript NM_000587.4 (MANE Select); coding-DNA position 2392, G replaced by A.
Protein change: p.Glu798Lys; replaces glutamic acid 798 with lysine.
Molecular consequence: missense variant.
Genome position (GRCh38, 1-based): chr5:40,981,433, G>A. VCF-style: chr5-40981433-G-A. GRCh37 (hg19) VCF-style: chr5-40981535-G-A.
Other names: short protein forms E798K.
Identifiers: ClinVar variation 1487537 (VCV001487537.8), dbSNP rs781435324, ClinGen allele CA117241801.

ClinVar aggregate classification (germline): Uncertain significance (1 of 4 stars; one submission).

Allele frequency attached by ClinVar (database versions not stated): gnomAD exomes 0.00001; TOPMed 0.00002; gnomAD 0.00001.
gnomAD v4.1: 21 of 1,613,306 alleles (0.0013%); highest among the groups gnomAD compares: African/African-American, 0.0027%; no homozygotes.

Submission:

Labcorp Genetics (formerly Invitae), Labcorp
Classification: Uncertain significance. Last evaluated: 2022-06-03. Review status: criteria provided, single submitter. Criteria: Invitae Variant Classification Sherloc (09022015). Collection method: clinical testing. Allele origin: germline.
Comment: In summary, the available evidence is currently insufficient to determine the role of this variant in disease. Therefore, it has been classified as a Variant of Uncertain Significance. Algorithms developed to predict the effect of missense changes on protein structure and function output the following: SIFT: "Tolerated"; PolyPhen-2: "Benign"; Align-GVGD: "Class C0". The lysine amino acid residue is found in multiple mammalian species, which suggests that this missense change does not adversely affect protein function. ClinVar contains an entry for this variant (Variation ID: 1487537). This variant has not been reported in the literature in individuals affected with C7-related conditions. The frequency data for this variant in the population databases is considered unreliable, as metrics indicate poor data quality at this position in the gnomAD database. This sequence change replaces glutamic acid, which is acidic and polar, with lysine, which is basic and polar, at codon 798 of the C7 protein (p.Glu798Lys).